The following is an entry in ClinVar:

ClinVar aggregate classification (germline): Uncertain significance. Review status: criteria provided, multiple submitters, no conflicts (2 of 4 stars). 3 submissions from 3 submitters: Uncertain significance (3). Last evaluated 2026-07-07.

Conditions:
Cardiomyopathy (CMYO). Also called: Cardiomyopathies. Identifiers: Orphanet 167848, MedGen C0878544, MONDO:0004994, HP:0001638. Inheritance: Various modes of inheritance.
Cardiovascular phenotype. Identifiers: MedGen CN230736.

Allele frequency attached by ClinVar (database versions not stated): gnomAD 0.00001; TOPMed 0.00001; 1000 Genomes Project 30x 0.00031.
gnomAD v4.1: 4 of 1,614,114 alleles (0.00025%); highest among the groups gnomAD compares: Admixed American, 0.0017%; no homozygotes.

Submissions (3):

Ambry Genetics
Classification: Uncertain significance for Cardiovascular phenotype. Last evaluated: 2026-07-07. Review status: criteria provided, single submitter. Criteria: Ambry Variant Classification Scheme 2023. Collection method: clinical testing. Allele origin: germline.
Comment: The p.L45F variant (also known as c.133C>T), located in coding exon 2 of the TMEM43 gene, results from a C to T substitution at nucleotide position 133. The leucine at codon 45 is replaced by phenylalanine, an amino acid with highly similar properties. This amino acid position is conserved. In addition, this alteration is predicted to be tolerated by in silico analysis. Based on the available evidence, the clinical significance of this variant remains unclear.

Molecular Diagnostic Laboratory for Inherited Cardiovascular Disease, Montreal Heart Institute
Classification: Uncertain significance for Cardiovascular phenotype. Last evaluated: 2025-04-09. Review status: criteria provided, single submitter. Criteria: ACMG Guidelines, 2015. Collection method: clinical testing. Allele origin: germline. Affected: yes.
Comment: PM2

Color Diagnostics, LLC DBA Color Health
Classification: Uncertain significance for Cardiomyopathy. Last evaluated: 2023-07-24. Review status: criteria provided, single submitter. Criteria: ACMG Guidelines, 2015. Collection method: clinical testing. Allele origin: germline.
Comment: This missense variant replaces leucine with phenylalanine at codon 45 of the TMEM43 protein. Computational prediction suggests that this variant may not impact protein structure and function (internally defined REVEL score threshold <= 0.5, PMID: 27666373). To our knowledge, functional studies have not been reported for this variant. This variant has not been reported in individuals affected with TMEM43-related disorders in the literature. This variant has been identified in 1/31368 chromosomes in the general population by the Genome Aggregation Database (gnomAD). The available evidence is insufficient to determine the role of this variant in disease conclusively. Therefore, this variant is classified as a Variant of Uncertain Significance.

NM_024334.3(TMEM43):c.133C>T (p.Leu45Phe)

Gene: TMEM43 (transmembrane protein 43; plus strand). Cytogenetic location: 3p25.1.
Variant type: single nucleotide variant.
Coding change: c.133C>T on transcript NM_024334.3 (MANE Select); coding-DNA position 133, C replaced by T.
Protein change: p.Leu45Phe; replaces leucine 45 with phenylalanine.
Molecular consequence: missense variant. On other transcripts: intron variant (1).
Genome position (GRCh38, 1-based): chr3:14,129,532, C>T. VCF-style: chr3-14129532-C-T. GRCh37 (hg19) VCF-style: chr3-14171032-C-T.
Other names: c.133C>T, p.Leu45Phe (NM_001407274.1, NM_001407275.1, NM_001407276.1 and 3 more transcripts); c.13-1290C>T (NM_001407280.1); short protein forms L45F.
Identifiers: ClinVar variation 2774588 (VCV002774588.3), dbSNP rs1451474822, ClinGen allele CA351534405.